The following is an entry in ClinVar:

NM_015466.4(PTPN23):c.2204C>A (p.Ala735Glu)

Gene: PTPN23 (protein tyrosine phosphatase non-receptor type 23; plus strand). Cytogenetic location: 3p21.31.
Variant type: single nucleotide variant.
Coding change: c.2204C>A on transcript NM_015466.4 (MANE Select); coding-DNA position 2204, C replaced by A.
Protein change: p.Ala735Glu; replaces alanine 735 with glutamic acid.
Molecular consequence: missense variant.
Genome position (GRCh38, 1-based): chr3:47,410,002, C>A. VCF-style: chr3-47410002-C-A. GRCh37 (hg19) VCF-style: chr3-47451492-C-A.
Other names: c.1826C>A, p.Ala609Glu (NM_001304482.2); short protein forms A735E, A609E.
Identifiers: ClinVar variation 1966581 (VCV001966581.4), dbSNP rs764772941, ClinGen allele CA2365974.

ClinVar aggregate classification (germline): Uncertain significance. Review status: criteria provided, multiple submitters, no conflicts (2 of 4 stars). 2 submissions from 2 submitters: Uncertain significance (2). Last evaluated 2022-07-26.

Conditions:
Inborn genetic diseases. Identifiers: MedGen C0950123, MeSH D030342.

Allele frequency attached by ClinVar (database versions not stated): gnomAD exomes 0.00002; ExAC 0.00008.
gnomAD v4.1: 30 of 1,604,852 alleles (0.0019%); highest among the groups gnomAD compares: East Asian, 0.063%; no homozygotes.

Submissions (2):

Labcorp Genetics (formerly Invitae), Labcorp
Classification: Uncertain significance. Last evaluated: 2022-07-26. Review status: criteria provided, single submitter. Criteria: Invitae Variant Classification Sherloc (09022015). Collection method: clinical testing. Allele origin: germline.
Comment: This variant has not been reported in the literature in individuals affected with PTPN23-related conditions. In summary, the available evidence is currently insufficient to determine the role of this variant in disease. Therefore, it has been classified as a Variant of Uncertain Significance. Algorithms developed to predict the effect of missense changes on protein structure and function are either unavailable or do not agree on the potential impact of this missense change (SIFT: "Tolerated"; PolyPhen-2: "Not Available"; Align-GVGD: "Class C0"). This variant is present in population databases (rs764772941, gnomAD 0.07%). This sequence change replaces alanine, which is neutral and non-polar, with glutamic acid, which is acidic and polar, at codon 735 of the PTPN23 protein (p.Ala735Glu).

Ambry Genetics
Classification: Uncertain significance for Inborn genetic diseases. Last evaluated: 2021-09-27. Review status: criteria provided, single submitter. Criteria: Ambry Variant Classification Scheme 2023. Collection method: clinical testing. Allele origin: germline.